The following is an entry in ClinVar:

ClinVar aggregate classification (germline): Pathogenic (1 of 4 stars; one submission).

Conditions:
Primary ciliary dyskinesia 3. Identifiers: Orphanet 244, MedGen C1837618, MONDO:0012085, OMIM 608644.

Submission:

Myriad Genetics, Inc.
Classification: Pathogenic for Primary ciliary dyskinesia 3. Last evaluated: 2024-05-14. Review status: criteria provided, single submitter. Criteria: Myriad Autosomal Dominant, Autosomal Recessive and X-Linked Classification Criteria (2023). Collection method: clinical testing. Allele origin: unknown.
Comment: NM_001369.2(DNAH5):c.12593del1ins14(R4198Tfs*20) is expected to be pathogenic in the context of primary ciliary dyskinesia, DNAH5-related. This variant is predicted to lead to an abnormal or absent protein product due to the creation of a premature termination codon in DNAH5, a gene where loss-of-function variants are known to be pathogenic. Please note: this variant was assessed in the context of healthy population screening.

NM_001369.3(DNAH5):c.12593delinsCATTTTTGGTTCTT (p.Arg4198fs)

Gene: DNAH5 (dynein axonemal heavy chain 5; minus strand). Cytogenetic location: 5p15.2.
Variant type: Indel.
Coding change: c.12593delinsCATTTTTGGTTCTT on transcript NM_001369.3 (MANE Select); coding-DNA position 12593, G replaced by CATTTTTGGTTCTT.
Protein change: p.Arg4198fs; shifts the reading frame from arginine 4198.
Molecular consequence: frameshift variant.
Genome position (GRCh38, 1-based): chr5:13,717,427, C replaced by AAGAACCAAAAATG on the plus strand (G replaced by CATTTTTGGTTCTT on the coding strand, the reverse complement: DNAH5 is on the minus strand). VCF-style: chr5-13717427-C-AAGAACCAAAAATG. GRCh37 (hg19) VCF-style: chr5-13717536-C-AAGAACCAAAAATG.
Other names: short protein forms R4198fs.
Identifiers: ClinVar variation 5010386 (VCV005010386.1).
Genomic context (GRCh38, chr5:13,717,427, plus strand): 5'-TTAAAGTCCGCTTGGTTAAATTCGTAGGGGATATTCCACCCCAGGGCACCGAACTTGCGC[C>AAGAACCAAAAATG]TCTCCTGGACAGTGGAGTGCAGGAAAGCCACTGCGTACAGCATGGGCTTCCACTGGGACC-3'